The following is an entry in ClinVar:

NM_000817.3(GAD1):c.-158G>A

Genes: GAD1 (glutamate decarboxylase 1; plus strand), GAD1-AS1 (GAD1 antisense RNA 1; minus strand), LOC132088794 (Neanderthal introgressed variant-containing enhancer experimental_55930; plus strand). Cytogenetic location: 2q31.1.
Variant type: single nucleotide variant.
Coding change: c.-158G>A on transcript NM_000817.3 (MANE Select); 158 bases upstream of the start codon, G replaced by A.
Molecular consequence: 5 prime UTR variant.
Genome position (GRCh38, 1-based): chr2:170,816,954, G>A. VCF-style: chr2-170816954-G-A. GRCh37 (hg19) VCF-style: chr2-171673464-G-A.
Other names: c.-162G>A (NM_013445.4).
Identifiers: ClinVar variation 332220 (VCV000332220.7), dbSNP rs45486908, ClinGen allele CA10611330.

ClinVar aggregate classification (germline): Benign (1 of 4 stars; one submission).

Conditions:
Neurodevelopmental disorder with progressive spasticity and brain white matter abnormalities. Also called: CEREBRAL PALSY, SPASTIC QUADRIPLEGIC, 1. Identifiers: Orphanet 210141, Orphanet 641353, MedGen C5436628, MONDO:0033613, OMIM 619026.

Allele frequency attached by ClinVar (database versions not stated): 1000 Genomes Project 30x 0.02561; gnomAD exomes 0.01392; 1000 Genomes Project 0.02276; gnomAD 0.02100 and 0.02140; TOPMed 0.02788.
gnomAD v4.1: 3,847 of 195,242 alleles (2%); highest among the groups gnomAD compares: Admixed American, 10%; 150 homozygotes.

Submission:

Illumina Laboratory Services, Illumina
Classification: Benign. Last evaluated: 2018-01-12. Review status: criteria provided, single submitter. Criteria: ICSL Variant Classification Criteria 13 December 2019. Collection method: clinical testing. Allele origin: germline.
Comment: This variant was observed in the ICSL laboratory as part of a predisposition screen in an ostensibly healthy population. It had not been previously curated by ICSL or reported in the Human Gene Mutation Database (HGMD: prior to June 1st, 2018), and was therefore a candidate for classification through an automated scoring system. Utilizing variant allele frequency, disease prevalence and penetrance estimates, and inheritance mode, an automated score was calculated to assess if this variant is too frequent to cause the disease. Based on the score and internal cut-off values, a variant classified as benign is not then subjected to further curation. The score for this variant resulted in a classification of benign for this disease.